The following is an entry in ClinVar:

ClinVar aggregate classification (germline): Uncertain significance (1 of 4 stars; one submission).

Allele frequency attached by ClinVar (database versions not stated): TOPMed 0.00002; gnomAD 0.00001; ExAC 0.00002; gnomAD exomes 0.00001.
gnomAD v4.1: 23 of 1,613,954 alleles (0.0014%); highest among the groups gnomAD compares: Non-Finnish European, 0.0019%; no homozygotes.

Submission:

Labcorp Genetics (formerly Invitae), Labcorp
Classification: Uncertain significance. Last evaluated: 2022-06-08. Review status: criteria provided, single submitter. Criteria: Invitae Variant Classification Sherloc (09022015). Collection method: clinical testing. Allele origin: germline.
Comment: In summary, the available evidence is currently insufficient to determine the role of this variant in disease. Therefore, it has been classified as a Variant of Uncertain Significance. Variants that disrupt the consensus splice site are a relatively common cause of aberrant splicing (PMID: 17576681, 9536098). Algorithms developed to predict the effect of sequence changes on RNA splicing suggest that this variant may create or strengthen a splice site. Algorithms developed to predict the effect of missense changes on protein structure and function (SIFT, PolyPhen-2, Align-GVGD) all suggest that this variant is likely to be disruptive. This variant has not been reported in the literature in individuals affected with SLC25A3-related conditions. This variant is present in population databases (rs749070065, gnomAD 0.01%). This sequence change replaces glycine, which is neutral and non-polar, with serine, which is neutral and polar, at codon 310 of the SLC25A3 protein (p.Gly310Ser). This variant also falls at the last nucleotide of exon 7, which is part of the consensus splice site for this exon.

Literature cited by the submitters: PubMed 17576681; PubMed 9536098.

NM_002635.4(SLC25A3):c.925G>A (p.Gly309Ser)

Gene: SLC25A3 (solute carrier family 25 member 3; plus strand). Cytogenetic location: 12q23.1.
Variant type: single nucleotide variant.
Coding change: c.925G>A on transcript NM_002635.4 (MANE Select); coding-DNA position 925, G replaced by A.
Protein change: p.Gly309Ser; replaces glycine 309 with serine.
Molecular consequence: missense variant.
Genome position (GRCh38, 1-based): chr12:98,601,281, G>A. VCF-style: chr12-98601281-G-A. GRCh37 (hg19) VCF-style: chr12-98995059-G-A.
Other names: c.928G>A, p.Gly310Ser (NM_005888.4); c.925G>A, p.Gly309Ser (NM_213611.3); short protein forms G310S, G309S.
Identifiers: ClinVar variation 2038340 (VCV002038340.4), dbSNP rs749070065, ClinGen allele CA6733139.